The following continues an entry in ClinVar:

NM_005343.4(HRAS):c.34G>A (p.Gly12Ser)

ClinVar aggregate classification (germline): Pathogenic. Pathogenic (1). ClinVar aggregate classification (somatic clinical impact): Tier I - Strong.

Submissions 7 to 17 of 50:

Blueprint Genetics
Classification: Pathogenic for HRAS-related disorders. Last evaluated: 2024-06-06. Review status: criteria provided, single submitter. Criteria: ACMG Guidelines, 2015. Collection method: clinical testing. Allele origin: de novo. Affected: yes. Observed: 5 variant alleles. Not counted in ClinVar's aggregate classification.

Clinical Genomics Laboratory, Washington University in St. Louis
Classification: Pathogenic for Epidermal nevus. Last evaluated: 2023-09-07. Review status: criteria provided, single submitter. Criteria: ACMG Guidelines, 2015. Collection method: clinical testing. Allele origin: somatic. Affected: yes. Not counted in ClinVar's aggregate classification.
Comment: An HRAS c.34G>A (p.Gly12Ser) variant was identified. This variant has been reported in numerous individuals with epidermal nevus (Hafner C et al., PMID: 22087699; Farschtschi S et al., PMID: 25928347; Nishihara K et al., PMID: 30864170; Levinsohn JL et al., PMID: 24129065; Honda A et al., PMID: 28295558; Bender RP et al., PMID: 23599145). This variant has been reported in the ClinVar database as a germline pathogenic variant by numerous submitters, including an expert panel (ClinVar ID: 12602) and has been reported as a somatic variant in multiple cases in the cancer database cBioPortal. This variant is absent from the general population (gnomAD v.3.1.2), indicating that it is not a common variant. Other variants in the same codon, (p.Gly12Arg, p.Gly12Cys, p.Gly12Val, p.Gly12Ala, p.Gly12Asp), have been reported as pathogenic/likely pathogenic [ClinVar ID: 375961, 12613, 12600, 1209208, 12603, 40430, 12612]. The HRAS c.34G>A (p.Gly12Ser) variant resides within an H_N_K_Ras_like domain, amino acids 3-164, of HRAS that is defined as a critical functional domain (Wey M et al., PMID: 24224811). Functional studies show that this variant promotes enhanced MEK, ERK, and AKT phosphorylation and growth-factor independent proliferation, indicating that this variant impacts protein function (Gremer L et al., PMID: 19995790; Denayer E et al., PMID: 17979197). Computational predictors indicate that the variant is damaging, evidence that correlates with impact to HRAS function. The HRAS gene is defined by ClinGen's RASopathy expert panel as a gene with a low rate of benign missense variation and where pathogenic missense variants are a common disease mechanism (Gelb BD et al., PMID: 29493581). Based on the ACMG/AMP guidelines (Richards S et al., PMID: 25741868) and gene-specific practices from the ClinGen Criteria Specification Registry, the HRAS c.34G>A (p.Gly12Ser) variant is classified as pathogenic.

Ambry Genetics
Classification: Pathogenic for Cardiovascular phenotype. Last evaluated: 2023-08-08. Review status: criteria provided, single submitter. Criteria: Ambry Variant Classification Scheme 2023. Collection method: clinical testing. Allele origin: germline. Not counted in ClinVar's aggregate classification.
Comment: The c.34G>A (p.G12S) alteration is located in exon 2 (coding exon 1) of the HRAS gene. This alteration results from a G to A substitution at nucleotide position 34, causing the glycine (G) at amino acid position 12 to be replaced by a serine (S). This variant was not reported in population-based cohorts in the Genome Aggregation Database (gnomAD). This alteration and several other alterations at the same codon (p.G12A, p.G12C, p.G12D, p.G12E, and p.G12V) have been reported in individuals with HRAS-related RASopathy including many de novo occurrences (Aoki, 2005; Hoornaert, 2006; Gripp, 2006; Lo, 2008; Burkitt-Wright, 2012). The p.G12S alteration is the most prevalent alteration reported in patients with HRAS-related RASopathy (reviewed in Wey, 2013). This amino acid position is highly conserved in available vertebrate species. The p.G12 amino acid is located within the phosphate-binding loop of the GTP-binding site (Gripp, 2006). Functional analysis demonstrated that protein products containing the p.G12S alteration have increased binding of GTP, resulting in increased amounts of the active form the HRAS protein (Wey, 2013). Additionally, patient cell lines with the p.G12S alteration were found to have reduced expression of C4ST-1 mRNA compared to wild type (Kluppel 2012), and in vivo studies showed abnormal neuronal cell proliferation and astrogenesis (Paquin, 2009). The in silico prediction for this alteration is inconclusive. Based on the available evidence, this alteration is classified as pathogenic.

Victorian Clinical Genetics Services, Murdoch Childrens Research Institute
Classification: Pathogenic for Costello syndrome. Last evaluated: 2023-07-16. Review status: criteria provided, single submitter. Criteria: ACMG Guidelines, 2015. Collection method: clinical testing. Allele origin: germline. Inheritance: Autosomal dominant inheritance. Affected: yes. Not counted in ClinVar's aggregate classification.
Comment: Based on the classification scheme VCGS_Germline_v1.3.4, this variant is classified as Pathogenic. Following criteria are met: 0101 - Gain of function is a known mechanism of disease in this gene and is associated with Costello syndrome and congenital myopathy with excess of muscle spindles (MIM#218040) (PMID: 31222966). (I) 0107 - This gene is associated with autosomal dominant disease. (I) 0115 - Variants in this gene are known to have variable expressivity (PMID: 20301680). (I) 0200 - Variant is predicted to result in a missense amino acid change from glycine to serine. (I) 0251 - This variant is heterozygous. (I) 0301 - Variant is absent from gnomAD (both v2 and v3). (SP) 0502 - Missense variant with conflicting in silico predictions and uninformative conservation. (I) 0602 - Variant is located in a hotspot region or cluster of pathogenic variants (DECIPHER). (SP) 0701 - Other missense variants comparable to the one identified in this case have very strong previous evidence for pathogenicity. Multiple alternative changes at this residue have been classified as pathogenic or likely pathogenic by clinical laboratories in ClinVar. (SP) 0801 - This variant has strong previous evidence of pathogenicity in unrelated individuals. This variant has been classified as pathogenic by an expert panel and multiple clinical laboratories in ClinVar. (SP) Legend: (SP) - Supporting pathogenic, (I) - Information, (SB) - Supporting benign

Institute for Genomic Medicine (IGM) Clinical Laboratory, Nationwide Children's Hospital
Classification: Tier I - Strong for Embryonal rhabdomyosarcoma. Assertion type: diagnostic. Clinical significance: supports diagnosis. Last evaluated: 2023-03-29. Review status: criteria provided, single submitter. Criteria: AMP/ASCO/CAP Guidelines, 2017. Collection method: clinical testing. Allele origin: somatic. Affected: yes.
Comment: Variant has Tier I (strong) clinical significance as a diagnostic inclusion criterion in embryonal rhabdomyosarcoma, based on the following evidence: 1) Documented in one or more cancer databases (e.g., St. Jude Pecan, COSMIC, CIViC, OncoKB). 2) Appears in one or more well-established professional guidelines (e.g., World Health Organization [WHO]; National Comprehensive Cancer Network [NCCN]) as providing diagnostic, prognostic, or therapeutic information. 3) Information in the literature supports potential biologic effect of variant (PMIDs: 6092966, 24224811). 4) Diagnostic for a specific tumor type/classification based on well-powered studies with expert-level consensus (Evidence Level B; PMIDs: 34166060, 24436047, 2680062, 19681119, 24332040, 25768946).

Center for Personalized Medicine, Children's Hospital Los Angeles
Classification: Pathogenic. Last evaluated: 2022-12-21. Review status: criteria provided, single submitter. Criteria: ACMG Guidelines, 2015. Collection method: clinical testing. Allele origin: unknown. Affected: yes. Not counted in ClinVar's aggregate classification.

Greenwood Genetic Center Diagnostic Laboratories, Greenwood Genetic Center
Classification: Pathogenic for Costello syndrome. Last evaluated: 2022-06-07. Review status: criteria provided, single submitter. Criteria: ACMG Guidelines, 2015. Collection method: clinical testing. Allele origin: germline. Affected: yes. Not counted in ClinVar's aggregate classification.
Comment: PS2 PS3 PS4 PM2 PM5

Laboratory of Medical Genetics, National & Kapodistrian University of Athens
Classification: Pathogenic for Costello syndrome. Last evaluated: 2021-10-01. Review status: criteria provided, single submitter. Criteria: ACMG Guidelines, 2015. Collection method: clinical testing. Allele origin: unknown. Affected: yes. Not counted in ClinVar's aggregate classification.
Comment: PS1, PM1, PM2, PM5, PP2, PP3, PP5

MGZ Medical Genetics Center
Classification: Pathogenic for Costello syndrome. Last evaluated: 2021-09-03. Review status: criteria provided, single submitter. Criteria: ACMG Guidelines, 2015. Collection method: clinical testing. Allele origin: germline. Affected: yes. Observed: 1 variant allele. Not counted in ClinVar's aggregate classification.
Comment: ACMG criteria applied: PS2, PS4, PM5, PM2_SUP

Athena Diagnostics
Classification: Pathogenic. Last evaluated: 2021-03-10. Review status: criteria provided, single submitter. Criteria: Athena Diagnostics Criteria. Collection method: clinical testing. Allele origin: unknown. Not counted in ClinVar's aggregate classification.
Comment: Assessment of experimental evidence suggests this variant results in abnormal protein function (PMID 28139825). This variant has not been reported in large, multi-ethnic general populations. This variant has been identified in approximately 80% of individuals with Costello syndrome and is reported to be the most frequent pathogenic variant in the HRAS gene (PMID: 21834037, 20979192, 17054105, 16881968, 16372351, 16170316, 16329078, 16443854).

Baylor Genetics
Classification: Pathogenic for Costello syndrome. Last evaluated: 2020-10-21. Review status: criteria provided, single submitter. Criteria: ACMG Guidelines, 2015. Collection method: clinical testing. Allele origin: de novo. Affected: yes. Not counted in ClinVar's aggregate classification.
Comment: This variant was determined to be pathogenic according to ACMG Guidelines, 2015 [PMID:25741868].